The following is an entry in ClinVar:

ClinVar aggregate classification (germline): Uncertain significance (1 of 4 stars; one submission).

Conditions:
RASopathy. Also called: rasopathies; Noonan spectrum disorder. Identifiers: Orphanet 536391, MedGen C5555857, MONDO:0021060.

Submission:

Labcorp Genetics (formerly Invitae), Labcorp
Classification: Uncertain significance for RASopathy. Last evaluated: 2022-04-10. Review status: criteria provided, single submitter. Criteria: Invitae Variant Classification Sherloc (09022015). Collection method: clinical testing. Allele origin: germline.
Comment: This sequence change replaces leucine, which is neutral and non-polar, with histidine, which is basic and polar, at codon 217 of the BRAF protein (p.Leu217His). This variant is not present in population databases (gnomAD no frequency). This variant has not been reported in the literature in individuals affected with BRAF-related conditions. Advanced modeling of protein sequence and biophysical properties (such as structural, functional, and spatial information, amino acid conservation, physicochemical variation, residue mobility, and thermodynamic stability) performed at Invitae indicates that this missense variant is expected to disrupt BRAF protein function. In summary, the available evidence is currently insufficient to determine the role of this variant in disease. Therefore, it has been classified as a Variant of Uncertain Significance.

NM_004333.6(BRAF):c.650T>A (p.Leu217His)

Gene: BRAF (B-Raf proto-oncogene, serine/threonine kinase; minus strand). Cytogenetic location: 7q34.
Variant type: single nucleotide variant.
Coding change: c.650T>A on transcript NM_004333.6 (MANE Select); coding-DNA position 650, T replaced by A.
Protein change: p.Leu217His; replaces leucine 217 with histidine.
Molecular consequence: missense variant.
Genome position (GRCh38, 1-based): chr7:140,808,021, A>T on the plus strand (T>A on the coding strand, the complement: BRAF is on the minus strand). VCF-style: chr7-140808021-A-T. GRCh37 (hg19) VCF-style: chr7-140507821-A-T.
Other names: c.650T>A, p.Leu217His (NM_001354609.2, NM_001374244.1, NM_001374258.1 and 4 more transcripts); c.659T>A, p.Leu220His (NM_001378467.1); c.548T>A, p.Leu183His (NM_001378470.1); c.494T>A, p.Leu165His (NM_001378472.1, NM_001378473.1); c.386T>A, p.Leu129His (NM_001378475.1); short protein forms L220H, L129H, L217H, L165H, L183H.
Identifiers: ClinVar variation 2124026 (VCV002124026.4), dbSNP rs2536358217, ClinGen allele CA369591150.
Genomic context (GRCh38, chr7:140,808,021, plus strand): 5'-AAGTTGTGTGTTGTAAGTGGAACATTCTCCAACACTTCCACATGCAATTCTTCTCCAGTA[A>T]GCCAGGAAATATCAGTGTCCCAACCAATTGGTTTCTTCTCTCTGAAAAATGTAGACACAA-3'
Protein context (NP_004324.2, residues 207-227): PIGWDTDISW[Leu217His]TGEELHVEVL